The following is an entry in ClinVar:

NM_001195263.2(PDZD7):c.492G>A (p.Arg164=)

Gene: PDZD7 (PDZ domain containing 7; minus strand). Cytogenetic location: 10q24.31.
Variant type: single nucleotide variant.
Coding change: c.492G>A on transcript NM_001195263.2 (MANE Select); coding-DNA position 492, G replaced by A.
Protein change: p.Arg164=; no amino-acid change (arginine 164 retained).
Molecular consequence: synonymous variant.
Genome position (GRCh38, 1-based): chr10:101,023,486, C>T on the plus strand (G>A on the coding strand, the complement: PDZD7 is on the minus strand). VCF-style: chr10-101023486-C-T. GRCh37 (hg19) VCF-style: chr10-102783243-C-T.
Other names: c.492G>A, p.Arg164= (NM_001351044.2, NM_001437429.1, NM_024895.5).
Identifiers: ClinVar variation 5041222 (VCV005041222.1).

ClinVar aggregate classification (germline): Likely benign (1 of 4 stars; one submission).

gnomAD v4.1: 5 of 1,614,124 alleles (0.00031%); highest among the groups gnomAD compares: Non-Finnish European, 0.00042%; no homozygotes.

Submission:

CeGaT Center for Human Genetics Tuebingen
Classification: Likely benign. Last evaluated: 2026-09-01. Review status: criteria provided, single submitter. Criteria: CeGaT Center For Human Genetics Tuebingen Variant Classification Criteria Version 2. Collection method: clinical testing. Allele origin: germline. Affected: yes. Observed: 1 variant allele.
Comment: PDZD7: BP4, BP7